The following is an entry in ClinVar:

NM_002576.5(PAK1):c.723G>A (p.Lys241=)

Gene: PAK1 (p21 (RAC1) activated kinase 1; minus strand). Cytogenetic location: 11q13.5.
Variant type: single nucleotide variant.
Coding change: c.723G>A on transcript NM_002576.5 (MANE Select); coding-DNA position 723, G replaced by A.
Protein change: p.Lys241=; no amino-acid change (lysine 241 retained).
Molecular consequence: synonymous variant. On other transcripts: non-coding transcript variant (2), intron variant (1).
Genome position (GRCh38, 1-based): chr11:77,355,717, C>T on the plus strand (G>A on the coding strand, the complement: PAK1 is on the minus strand). VCF-style: chr11-77355717-C-T. GRCh37 (hg19) VCF-style: chr11-77066762-C-T.
Other names: c.723G>A, p.Lys241= (NM_001128620.2, NM_001376268.1, NM_001376269.1 and 25 more transcripts); c.744G>A, p.Lys248= (NM_001376272.1); c.474G>A, p.Lys158= (NM_001376301.1); c.429G>A, p.Lys143= (NM_001376302.1, NM_001376304.1, NM_001376305.1); c.597+3181G>A (NM_001376303.1).
Identifiers: ClinVar variation 2642185 (VCV002642185.24), dbSNP rs199910150, ClinGen allele CA6200047.

ClinVar aggregate classification (germline): Likely benign (1 of 4 stars; one submission).

Allele frequency attached by ClinVar (database versions not stated): ESP Exome Variant Server 0.00008; TOPMed 0.00009; gnomAD 0.00013; gnomAD exomes 0.00023; ExAC 0.00038; 1000 Genomes Project 0.00080; 1000 Genomes Project 30x 0.00094.
gnomAD v4.1: 366 of 1,613,682 alleles (0.023%); highest among the groups gnomAD compares: Middle Eastern, 0.28%; 1 homozygote.

Submission:

CeGaT Center for Human Genetics Tuebingen
Classification: Likely benign. Last evaluated: 2022-11-01. Review status: criteria provided, single submitter. Criteria: CeGaT Center For Human Genetics Tuebingen Variant Classification Criteria Version 2. Collection method: clinical testing. Allele origin: germline. Affected: yes. Observed: 2 variant alleles.
Comment: PAK1: BP4, BP7